The following is an entry in ClinVar:

NM_001291303.3(FAT4):c.11808G>T (p.Met3936Ile)

Gene: FAT4 (FAT atypical cadherin 4; plus strand). Cytogenetic location: 4q28.1.
Variant type: single nucleotide variant.
Coding change: c.11808G>T on transcript NM_001291303.3 (MANE Select); coding-DNA position 11808, G replaced by T.
Protein change: p.Met3936Ile; replaces methionine 3936 with isoleucine.
Molecular consequence: missense variant.
Genome position (GRCh38, 1-based): chr4:125,463,570, G>T. VCF-style: chr4-125463570-G-T. GRCh37 (hg19) VCF-style: chr4-126384725-G-T.
Other names: c.11808G>T, p.Met3936Ile (NM_001291285.3); c.11802G>T, p.Met3934Ile (NM_024582.6); short protein forms M3934I, M3936I.
Identifiers: ClinVar variation 2106587 (VCV002106587.4), dbSNP rs2530955291, ClinGen allele CA358125134.
Genomic context (GRCh38, chr4:125,463,570, plus strand): 5'-GTTAATATATTTATGTATGAGATTTAAAAAAAACTGAATTTGATATATTTTAGGGAAAAT[G>T]TGTGAATCTTCAGTCAATTACTGTGAATGCAACCCCTGCTTTAATGGTGGTTCCTGCCAA-3'
Protein context (NP_001278232.1, residues 3926-3946): CVCKTGYTGK[Met3936Ile]CESSVNYCEC

ClinVar aggregate classification (germline): Uncertain significance (1 of 4 stars; one submission).

gnomAD v4.1: 1 of 1,575,120 alleles (0.000063%); highest among the groups gnomAD compares: Non-Finnish European, 0.000087%; no homozygotes.

Submission:

Labcorp Genetics (formerly Invitae), Labcorp
Classification: Uncertain significance. Last evaluated: 2023-12-06. Review status: criteria provided, single submitter. Criteria: Invitae Variant Classification Sherloc (09022015). Collection method: clinical testing. Allele origin: germline.
Comment: This sequence change replaces methionine, which is neutral and non-polar, with isoleucine, which is neutral and non-polar, at codon 3934 of the FAT4 protein (p.Met3934Ile). This variant is not present in population databases (gnomAD no frequency). This variant has not been reported in the literature in individuals affected with FAT4-related conditions. ClinVar contains an entry for this variant (Variation ID: 2106587). Advanced modeling of protein sequence and biophysical properties (such as structural, functional, and spatial information, amino acid conservation, physicochemical variation, residue mobility, and thermodynamic stability) performed at Invitae indicates that this missense variant is not expected to disrupt FAT4 protein function with a negative predictive value of 95%. In summary, the available evidence is currently insufficient to determine the role of this variant in disease. Therefore, it has been classified as a Variant of Uncertain Significance.